The following is an entry in ClinVar:

ClinVar aggregate classification (germline): Uncertain significance. Review status: criteria provided, multiple submitters, no conflicts (2 of 4 stars). 2 submissions from 2 submitters: Uncertain significance (2). Last evaluated 2025-04-08.

Submissions (2):

GeneDx
Classification: Uncertain significance. Last evaluated: 2025-04-08. Review status: criteria provided, single submitter. Criteria: GeneDx Variant Classification Process June 2021. Collection method: clinical testing. Allele origin: germline. Affected: yes.
Comment: Not observed at significant frequency in large population cohorts (gnomAD); In silico analysis supports that this missense variant has a deleterious effect on protein structure/function; Has not been previously published as pathogenic or benign to our knowledge

Blueprint Genetics
Classification: Uncertain significance. Last evaluated: 2020-11-25. Review status: criteria provided, single submitter. Criteria: ACMG Guidelines, 2015. Collection method: clinical testing. Allele origin: germline.

NM_006914.4(RORB):c.805G>A (p.Ala269Thr)

Gene: RORB (RAR related orphan receptor B; plus strand). Cytogenetic location: 9q21.13.
Variant type: single nucleotide variant.
Coding change: c.805G>A on transcript NM_006914.4 (MANE Select); coding-DNA position 805, G replaced by A.
Protein change: p.Ala269Thr; replaces alanine 269 with threonine.
Molecular consequence: missense variant.
Genome position (GRCh38, 1-based): chr9:74,662,519, G>A. VCF-style: chr9-74662519-G-A. GRCh37 (hg19) VCF-style: chr9-77277435-G-A.
Other names: c.838G>A, p.Ala280Thr (NM_001365023.1); short protein forms A269T, A280T.
Identifiers: ClinVar variation 4281978 (VCV004281978.2).